The following is an entry in ClinVar:

ClinVar aggregate classification (germline): Likely pathogenic (1 of 4 stars; one submission).

Submission:

Labcorp Genetics (formerly Invitae), Labcorp
Classification: Likely pathogenic. Last evaluated: 2024-12-02. Review status: criteria provided, single submitter. Criteria: Invitae Variant Classification Sherloc (09022015). Collection method: clinical testing. Allele origin: germline.
Comment: This sequence change affects a splice site in intron 25 of the MYO7A gene. It is expected to disrupt RNA splicing. Variants that disrupt the donor or acceptor splice site typically lead to a loss of protein function (PMID: 16199547), and loss-of-function variants in MYO7A are known to be pathogenic (PMID: 8900236, 25404053). This variant is not present in population databases (gnomAD no frequency). This variant has not been reported in the literature in individuals affected with MYO7A-related conditions. ClinVar contains an entry for this variant (Variation ID: 1493520). Algorithms developed to predict the effect of sequence changes on RNA splicing suggest that this variant may disrupt the consensus splice site. In summary, the currently available evidence indicates that the variant is pathogenic, but additional data are needed to prove that conclusively. Therefore, this variant has been classified as Likely Pathogenic.

Literature cited by the submitters: PubMed 16199547; PubMed 8900236; PubMed 25404053.

NM_000260.4(MYO7A):c.3285+1_3285+2insGCGGGG

Gene: MYO7A (myosin VIIA; plus strand). Cytogenetic location: 11q13.5.
Variant type: Insertion.
Coding change: c.3285+1_3285+2insGCGGGG on transcript NM_000260.4 (MANE Select); the canonical splice donor site of the intron after coding-DNA position 3285, GCGGGG inserted.
Molecular consequence: splice donor variant.
Genome position: GRCh38 VCF-style: chr11-77182599-A-AGGGCGG. GRCh37 (hg19) VCF-style: chr11-76893644-A-AGGGCGG.
Other names: c.3252+1_3252+2insGCGGGG (NM_001369365.1); c.3285+1_3285+2insGCGGGG (NM_001127180.2).
Identifiers: ClinVar variation 1493520 (VCV001493520.6), dbSNP rs2135499848, ClinGen allele CA2573147756.
Genomic context (GRCh38, chr11:77,182,599, plus strand): 5'-ATGAGACCCTGGGCAAGAAGACGTACAAGAGGGAGCTGCAGGCCCTGCAGGGCGAGGGCG[A>AGGGCGG]GGTGAGGCCAAGGTGCCCTCTGGATGATGTCCCTCCCAGGCCGACAAGGAGGGCCGCTGG-3'